The following is an entry in ClinVar:

ClinVar aggregate classification (germline): Uncertain significance (1 of 4 stars; one submission).

Submission:

GeneDx
Classification: Uncertain significance. Last evaluated: 2023-10-03. Review status: criteria provided, single submitter. Criteria: GeneDx Variant Classification Process June 2021. Collection method: clinical testing. Allele origin: germline. Affected: yes.
Comment: Not observed at significant frequency in large population cohorts (gnomAD); In silico analysis supports a deleterious effect on splicing; Has not been previously published as pathogenic or benign to our knowledge

NM_014991.6(WDFY3):c.3488-5T>G

Gene: WDFY3 (WD repeat and FYVE domain containing 3; minus strand). Cytogenetic location: 4q21.23.
Variant type: single nucleotide variant.
Coding change: c.3488-5T>G on transcript NM_014991.6 (MANE Select); 5 bases into the intron before coding-DNA position 3488, T replaced by G.
Molecular consequence: intron variant.
Genome position (GRCh38, 1-based): chr4:84,789,912, A>C on the plus strand (T>G on the coding strand, the complement: WDFY3 is on the minus strand). VCF-style: chr4-84789912-A-C. GRCh37 (hg19) VCF-style: chr4-85711065-A-C.
Identifiers: ClinVar variation 3252472 (VCV003252472.1), dbSNP rs2533594106.
Genomic context (GRCh38, chr4:84,789,912, plus strand): 5'-GCGAGCACAGCATGGGAGAATTTCATAAAATGAGGACTCTTCACTAAAATCATCAACTGA[A>C]ATAAAGGGGGGAAGACATAAAAACTTTTTCCAACACCATCCCTATTCAAATTATTCATAT-3'